The following is an entry in ClinVar:

ClinVar aggregate classification (germline): Uncertain significance (1 of 4 stars; one submission).

gnomAD v4.1: 5 of 1,611,858 alleles (0.00031%); highest among the groups gnomAD compares: Non-Finnish European, 0.00042%; no homozygotes.

Submission:

Labcorp Genetics (formerly Invitae), Labcorp
Classification: Uncertain significance. Last evaluated: 2025-12-15. Review status: criteria provided, single submitter. Criteria: Invitae Variant Classification Sherloc (09022015). Collection method: clinical testing. Allele origin: germline.
Comment: This sequence change replaces proline, which is neutral and non-polar, with threonine, which is neutral and polar, at codon 1300 of the DCHS1 protein (p.Pro1300Thr). This variant is present in population databases (no rsID available, gnomAD 0.007%). This variant has not been reported in the literature in individuals affected with DCHS1-related conditions. Invitae Evidence Modeling of protein sequence and biophysical properties (such as structural, functional, and spatial information, amino acid conservation, physicochemical variation, residue mobility, and thermodynamic stability) indicates that this missense variant is not expected to disrupt DCHS1 protein function with a negative predictive value of 80%. In summary, the available evidence is currently insufficient to determine the role of this variant in disease. Therefore, it has been classified as a Variant of Uncertain Significance.

NM_003737.4(DCHS1):c.3898C>A (p.Pro1300Thr)

Gene: DCHS1 (dachsous cadherin-related 1; minus strand). Cytogenetic location: 11p15.4.
Variant type: single nucleotide variant.
Coding change: c.3898C>A on transcript NM_003737.4 (MANE Select); coding-DNA position 3898, C replaced by A.
Protein change: p.Pro1300Thr; replaces proline 1300 with threonine.
Molecular consequence: missense variant.
Genome position (GRCh38, 1-based): chr11:6,631,085, G>T on the plus strand (C>A on the coding strand, the complement: DCHS1 is on the minus strand). VCF-style: chr11-6631085-G-T. GRCh37 (hg19) VCF-style: chr11-6652316-G-T.
Other names: short protein forms P1300T.
Identifiers: ClinVar variation 4778454 (VCV004778454.1).